The following is an entry in ClinVar:

NM_000059.4(BRCA2):c.1607C>T (p.Ser536Phe)

Gene: BRCA2 (BRCA2 DNA repair associated; plus strand). Cytogenetic location: 13q13.1.
Variant type: single nucleotide variant.
Coding change: c.1607C>T on transcript NM_000059.4 (MANE Select); coding-DNA position 1607, C replaced by T.
Protein change: p.Ser536Phe; replaces serine 536 with phenylalanine.
Molecular consequence: missense variant. On other transcripts: non-coding transcript variant (1), intron variant (1).
Genome position (GRCh38, 1-based): chr13:32,333,085, C>T. VCF-style: chr13-32333085-C-T. GRCh37 (hg19) VCF-style: chr13-32907222-C-T.
Other names: c.1607C>T, p.Ser536Phe (NM_001406719.1, NM_001406720.1, NM_001406721.1 and 1 more transcripts); c.424+2055C>T (NM_001406722.1); short protein forms S536F.
Identifiers: ClinVar variation 4215848 (VCV004215848.1).
Genomic context (GRCh38, chr13:32,333,085, plus strand): 5'-TCAATGCAAGTTTTTCAGGTCATATGACTGATCCAAACTTTAAAAAAGAAACTGAAGCCT[C>T]TGAAAGTGGACTGGAAATACATACTGTTTGCTCACAGAAGGAGGACTCCTTATGTCCAAA-3'
Protein context (NP_000050.3, residues 526-546): DPNFKKETEA[Ser536Phe]ESGLEIHTVC

ClinVar aggregate classification (germline): Uncertain significance (1 of 4 stars; one submission).

Conditions:
Hereditary cancer-predisposing syndrome. Also called: Hereditary Cancer Syndrome; Hereditary neoplastic syndrome; Neoplastic Syndromes, Hereditary; Tumor predisposition. Identifiers: Orphanet 140162, MedGen C0027672, MeSH D009386, MONDO:0015356.

Submission:

Ambry Genetics
Classification: Uncertain significance for Hereditary cancer-predisposing syndrome. Last evaluated: 2025-07-02. Review status: criteria provided, single submitter. Criteria: Ambry Variant Classification Scheme 2023. Collection method: clinical testing. Allele origin: germline.
Comment: The p.S536F variant (also known as c.1607C>T), located in coding exon 9 of the BRCA2 gene, results from a C to T substitution at nucleotide position 1607. The serine at codon 536 is replaced by phenylalanine, an amino acid with highly dissimilar properties. This amino acid position is conserved. In addition, this alteration is predicted to be tolerated by in silico analysis. Based on the available evidence, the clinical significance of this variant remains unclear.